The following is an entry in ClinVar:

ClinVar aggregate classification (germline): other (0 of 4 stars; one submission).

Conditions:
Familial colorectal cancer. Identifiers: MedGen CN280943, MONDO:0023113. Disease mechanism: loss of function.

Submission:

Systems Biology Platform Zhejiang California International NanoSystems Institute
Classification: other for Familial colorectal cancer. Review status: no assertion criteria provided. Collection method: not provided. Allele origin: unknown.
ClinVar note: Converted during submission from cancer to other.

NM_000038.6(APC):c.645+4775C>A

Gene: APC (APC regulator of WNT signaling pathway; plus strand). Cytogenetic location: 5q22.2.
Variant type: single nucleotide variant.
Coding change: c.645+4775C>A on transcript NM_000038.6 (MANE Select); 4775 bases into the intron after coding-DNA position 645, C replaced by A.
Molecular consequence: intron variant.
Genome position (GRCh38, 1-based): chr5:112,785,678, C>A. VCF-style: chr5-112785678-C-A. GRCh37 (hg19) VCF-style: chr5-112121375-C-A.
Other names: c.645+4775C>A (NM_001354895.2, NM_001127510.3, NM_001354896.2 and 2 more transcripts); c.675+4775C>A (NM_001354897.2, NM_001354902.2, NM_001127511.3); c.570+4775C>A (NM_001354898.2, NM_001354904.2); c.-391+4775C>A (NM_001354906.2); c.468+4775C>A (NM_001354900.2, NM_001354901.2, NM_001354905.2).
Identifiers: ClinVar variation 82964 (VCV000082964.2), dbSNP rs76856899, ClinGen allele CA011532.
Genomic context (GRCh38, chr5:112,785,678, plus strand): 5'-CACAGTATGATAATAGCACAGGAATAAATTTAGGCAAATGATAGAGACTAGAAAGAGGTA[C>A]AGGAATATTTACAACCTTTATATGACAGAAGTTACATTATAAATTTTGGAGAAATTGATA-3'